The following is an entry in ClinVar:

ClinVar aggregate classification (germline): Conflicting classifications of pathogenicity. Review status: criteria provided, conflicting classifications (1 of 4 stars). 5 submissions from 5 submitters: Uncertain significance (2); Benign (2); Likely benign (1). Last evaluated 2026-02-01.

Conditions:
Weill-Marchesani 4 syndrome, recessive. Also called: Weill-Marchesani syndrome 4. Identifiers: Orphanet 363992, MedGen C2750787, MONDO:0013176, OMIM 613195.

Allele frequency attached by ClinVar (database versions not stated): gnomAD exomes 0.00041; gnomAD 0.00563 and 0.00611; TOPMed 0.00870; 1000 Genomes Project 30x 0.01343.
gnomAD v4.1: 1,333 of 1,037,420 alleles (0.13%); highest among the groups gnomAD compares: Admixed American, 5.2%; 31 homozygotes.

Submissions (5):

Labcorp Genetics (formerly Invitae), Labcorp
Classification: Benign. Last evaluated: 2026-02-01. Review status: criteria provided, single submitter. Criteria: Invitae Variant Classification Sherloc (09022015). Collection method: clinical testing. Allele origin: germline.

Blueprint Genetics
Classification: Likely benign. Last evaluated: 2024-11-27. Review status: criteria provided, single submitter. Criteria: ACMG Guidelines, 2015. Collection method: clinical testing. Allele origin: germline.

Mayo Clinic Laboratories, Mayo Clinic
Classification: Benign. Last evaluated: 2023-05-10. Review status: criteria provided, single submitter. Criteria: ACMG Guidelines, 2015. Collection method: clinical testing. Allele origin: germline. Observed: 5 variant alleles.
Comment: BS1, BS2, BP4, BP7

Center for Genomics, Ann and Robert H. Lurie Children's Hospital of Chicago
Classification: Uncertain significance for Weill-Marchesani 4 syndrome, recessive. Last evaluated: 2018-05-02. Review status: criteria provided, single submitter. Criteria: ACMG Guidelines, 2015. Collection method: clinical testing. Allele origin: germline.
Comment: ADAMTS17 NM_139057.3 exon 2 p.Ala56= (c.168C>T):This variant has not been reported in the literature but is present in 20/388 Latino alleles, including 1 homozygote in the Genome Aggregation Database. This variant is present in ClinVar (Variation ID:315323). Evolutionary conservation and computational predictive tools for this variant are limited or unavailable. Of note, this variant is a silent variant and does not change the amino acid, reducing the probability that this variant is disease causing. In summary, data on this variant is insufficient for disease classification. Therefore, the clinical significance of this variant is uncertain.

Illumina Laboratory Services, Illumina
Classification: Uncertain significance for Weill-Marchesani 4 syndrome, recessive. Last evaluated: 2018-01-12. Review status: criteria provided, single submitter. Criteria: ICSL Variant Classification Criteria 13 December 2019. Collection method: clinical testing. Allele origin: germline.

NM_139057.4(ADAMTS17):c.168C>T (p.Ala56=)

Gene: ADAMTS17 (ADAM metallopeptidase with thrombospondin type 1 motif 17; minus strand). Cytogenetic location: 15q26.3.
Variant type: single nucleotide variant.
Coding change: c.168C>T on transcript NM_139057.4 (MANE Select); coding-DNA position 168, C replaced by T.
Protein change: p.Ala56=; no amino-acid change (alanine 56 retained).
Molecular consequence: synonymous variant.
Genome position (GRCh38, 1-based): chr15:100,341,321, G>A on the plus strand (C>T on the coding strand, the complement: ADAMTS17 is on the minus strand). VCF-style: chr15-100341321-G-A. GRCh37 (hg19) VCF-style: chr15-100881526-G-A.
Other names: p.Ala56=.
Identifiers: ClinVar variation 315323 (VCV000315323.18), dbSNP rs886050982, ClinGen allele CA10645501.